The following is an entry in ClinVar:

NM_000243.3(MEFV):c.511G>A (p.Ala171Thr)

Gene: MEFV (MEFV innate immunity regulator, pyrin; minus strand). Cytogenetic location: 16p13.3.
Variant type: single nucleotide variant.
Coding change: c.511G>A on transcript NM_000243.3 (MANE Select); coding-DNA position 511, G replaced by A.
Protein change: p.Ala171Thr; replaces alanine 171 with threonine.
Molecular consequence: missense variant. On other transcripts: intron variant (1).
Genome position (GRCh38, 1-based): chr16:3,254,557, C>T on the plus strand (G>A on the coding strand, the complement: MEFV is on the minus strand). VCF-style: chr16-3254557-C-T. GRCh37 (hg19) VCF-style: chr16-3304557-C-T.
Other names: c.277+1754G>A (NM_001198536.2); short protein forms A171T.
Identifiers: ClinVar variation 234357 (VCV000234357.15), dbSNP rs876660993, ClinGen allele CA10577522.

ClinVar aggregate classification (germline): Conflicting classifications of pathogenicity. Review status: criteria provided, conflicting classifications (1 of 4 stars). 6 submissions from 4 submitters: Uncertain significance (3); Likely benign (2). 1 of the submissions does not count toward it. Last evaluated 2023-02-08.

Conditions:
Familial Mediterranean fever, autosomal dominant. Also called: Dominant Familial Mediterranean Fever; FMF, AUTOSOMAL DOMINANT. Identifiers: Orphanet 342, MedGen C1851347, MONDO:0007601, OMIM 134610.
Acute febrile neutrophilic dermatosis (AFND). Also called: Sweet Syndrome; Gomm Button disease. Identifiers: Orphanet 3243, MedGen C0085077, MONDO:0011959, OMIM 608068.
Familial Mediterranean fever (FMF). Also called: POLYSEROSITIS, FAMILIAL PAROXYSMAL; POLYSEROSITIS, RECURRENT; Periodic peritonitis; Benign paroxysmal peritonitis. Identifiers: Orphanet 342, MedGen C0031069, MONDO:0018088, OMIM 249100. Disease mechanism: gain of function.

Submissions (6):

Genome-Nilou Lab
Classification: Uncertain significance for Familial Mediterranean fever. Last evaluated: 2023-02-08. Review status: criteria provided, single submitter. Criteria: ACMG Guidelines, 2015. Collection method: clinical testing. Allele origin: germline.

Genome-Nilou Lab
Classification: Likely benign for Familial Mediterranean fever, autosomal dominant. Last evaluated: 2023-02-08. Review status: criteria provided, single submitter. Criteria: ACMG Guidelines, 2015. Collection method: clinical testing. Allele origin: germline.

Genome-Nilou Lab
Classification: Likely benign for Acute febrile neutrophilic dermatosis. Last evaluated: 2023-02-08. Review status: criteria provided, single submitter. Criteria: ACMG Guidelines, 2015. Collection method: clinical testing. Allele origin: germline.

Labcorp Genetics (formerly Invitae), Labcorp
Classification: Uncertain significance for Familial Mediterranean fever. Last evaluated: 2022-03-15. Review status: criteria provided, single submitter. Criteria: Invitae Variant Classification Sherloc (09022015). Collection method: clinical testing. Allele origin: germline.
Comment: Algorithms developed to predict the effect of missense changes on protein structure and function output the following: SIFT: "Tolerated"; PolyPhen-2: "Benign"; Align-GVGD: "Class C0". The threonine amino acid residue is found in multiple mammalian species, which suggests that this missense change does not adversely affect protein function. In summary, the available evidence is currently insufficient to determine the role of this variant in disease. Therefore, it has been classified as a Variant of Uncertain Significance. ClinVar contains an entry for this variant (Variation ID: 234357). This variant has not been reported in the literature in individuals affected with MEFV-related conditions. The frequency data for this variant in the population databases is considered unreliable, as metrics indicate poor data quality at this position in the gnomAD database. This sequence change replaces alanine, which is neutral and non-polar, with threonine, which is neutral and polar, at codon 171 of the MEFV protein (p.Ala171Thr).

GeneDx
Classification: Uncertain significance. Last evaluated: 2013-03-26. Review status: criteria provided, single submitter. Criteria: GeneDx Variant Classification (06012015). Collection method: clinical testing. Allele origin: germline. Affected: yes.
Comment: To our knowledge, neither the A171T nor the A193T missense substitutions in the MEFV gene have been published as mutations, or reported as benign polymorphisms. Both of these substitutions are semi-conservative, as neutral non-polar Alanine residues are replaced with neutral, polar Threonine residues. Neither of these substitutions occur at a position in the MEFV gene that is highly conserved among species. However, these substitutions were not observed in approximately 6,500 individuals of European and African American ancestry in the NHLBI Exome Sequencing Project or among the various ethnic groups studied in the 1000 Genomes Project, indicating they are not common benign variants in these populations. Therefore, based on the currently available information, it is unclear whether the A171T or A193T variants are disease-causing mutations or rare benign variants.

Natera, Inc.
Classification: Uncertain significance for Familial Mediterranean fever. Last evaluated: 2019-10-28. Review status: no assertion criteria provided. Collection method: clinical testing. Allele origin: germline. Not counted in ClinVar's aggregate classification.